The following is an entry in ClinVar:

ClinVar aggregate classification (germline): Uncertain significance (1 of 4 stars; one submission).

Conditions:
EGFR-related lung cancer (EGFR). Identifiers: MedGen CN130014.

gnomAD v4.1: 1 of 1,507,870 alleles (0.000066%); highest among the groups gnomAD compares: Non-Finnish European, 0.000089%; no homozygotes.

Submission:

Labcorp Genetics (formerly Invitae), Labcorp
Classification: Uncertain significance for EGFR-related lung cancer. Last evaluated: 2021-09-04. Review status: criteria provided, single submitter. Criteria: Invitae Variant Classification Sherloc (09022015). Collection method: clinical testing. Allele origin: germline.
Comment: Algorithms developed to predict the effect of missense changes on protein structure and function output the following: SIFT: "Tolerated"; PolyPhen-2: "Benign"; Align-GVGD: "Class C0". The glutamic acid amino acid residue is found in multiple mammalian species, which suggests that this missense change does not adversely affect protein function. In summary, the available evidence is currently insufficient to determine the role of this variant in disease. Therefore, it has been classified as a Variant of Uncertain Significance. The frequency data for this variant in the population databases is considered unreliable, as metrics indicate poor data quality at this position in the ExAC database. This sequence change replaces glycine with glutamic acid at codon 5 of the EGFR protein (p.Gly5Glu). The glycine residue is weakly conserved and there is a moderate physicochemical difference between glycine and glutamic acid. This variant has not been reported in the literature in individuals affected with EGFR-related conditions.

NM_005228.5(EGFR):c.14G>A (p.Gly5Glu)

Gene: EGFR (epidermal growth factor receptor; plus strand). Cytogenetic location: 7p11.2.
Variant type: single nucleotide variant.
Coding change: c.14G>A on transcript NM_005228.5 (MANE Select); coding-DNA position 14, G replaced by A.
Protein change: p.Gly5Glu; replaces glycine 5 with glutamic acid.
Molecular consequence: missense variant.
Genome position (GRCh38, 1-based): chr7:55,019,291, G>A. VCF-style: chr7-55019291-G-A. GRCh37 (hg19) VCF-style: chr7-55086984-G-A.
Other names: c.14G>A, p.Gly5Glu (NM_001346897.2, NM_001346898.2, NM_001346899.2 and 4 more transcripts); short protein forms G5E.
Identifiers: ClinVar variation 1500085 (VCV001500085.6), dbSNP rs759582787, ClinGen allele CA4265100.
Genomic context (GRCh38, chr7:55,019,291, plus strand): 5'-TCCAGTATTGATCGGGAGAGCCGGAGCGAGCTCTTCGGGGAGCAGCGATGCGACCCTCCG[G>A]GACGGCCGGGGCAGCGCTCCTGGCGCTGCTGGCTGCGCTCTGCCCGGCGAGTCGGGCTCT-3'
Protein context (NP_005219.2, residues 1-15): MRPS[Gly5Glu]TAGAALLALL